The following is an entry in ClinVar:

NM_198578.4(LRRK2):c.5257G>A (p.Glu1753Lys)

Gene: LRRK2 (leucine rich repeat kinase 2; plus strand). Cytogenetic location: 12q12.
Variant type: single nucleotide variant.
Coding change: c.5257G>A on transcript NM_198578.4 (MANE Select); coding-DNA position 5257, G replaced by A.
Protein change: p.Glu1753Lys; replaces glutamic acid 1753 with lysine.
Molecular consequence: missense variant.
Genome position (GRCh38, 1-based): chr12:40,322,121, G>A. VCF-style: chr12-40322121-G-A. GRCh37 (hg19) VCF-style: chr12-40715923-G-A.
Other names: short protein forms E1753K.
Identifiers: ClinVar variation 1746391 (VCV001746391.3), dbSNP rs1176734347, ClinGen allele CA384420345.
Genomic context (GRCh38, chr12:40,322,121, plus strand): 5'-TATTGGCGACAAGGCATTTACTTAAATTGGTCTCCTGAAGCTTATTGTCTGGTAGGATCT[G>A]AAGTCTTAGACAATCATCCAGAGAGTTTCTTAAAAATTACAGTTCCTTCTTGTAGAAAAG-3'
Protein context (NP_940980.4, residues 1743-1763): SPEAYCLVGS[Glu1753Lys]VLDNHPESFL

ClinVar aggregate classification (germline): Uncertain significance (1 of 4 stars; one submission).

Conditions:
Inborn genetic diseases. Identifiers: MedGen C0950123, MeSH D030342.

Allele frequency attached by ClinVar (database versions not stated): gnomAD exomes 0.00001.
gnomAD v4.1: 5 of 1,612,946 alleles (0.00031%); highest among the groups gnomAD compares: South Asian, 0.0044%; no homozygotes.

Submission:

Ambry Genetics
Classification: Uncertain significance for Inborn genetic diseases. Last evaluated: 2024-06-23. Review status: criteria provided, single submitter. Criteria: Ambry Variant Classification Scheme 2023. Collection method: clinical testing. Allele origin: germline.
Comment: The p.E1753K variant (also known as c.5257G>A), located in coding exon 36 of the LRRK2 gene, results from a G to A substitution at nucleotide position 5257. The glutamic acid at codon 1753 is replaced by lysine, an amino acid with similar properties. This amino acid position is conserved. In addition, this alteration is predicted to be tolerated by in silico analysis. Since supporting evidence is limited at this time, the clinical significance of this alteration remains unclear.